The following is an entry in ClinVar:

ClinVar aggregate classification (germline): Pathogenic (1 of 4 stars; one submission).

Conditions:
Fabry disease. Also called: ALPHA-GALACTOSIDASE A DEFICIENCY; ANDERSON-FABRY DISEASE; CERAMIDE TRIHEXOSIDASE DEFICIENCY; GLA DEFICIENCY; HEREDITARY DYSTOPIC LIPIDOSIS; Angiokeratoma corporis diffusum. Identifiers: Orphanet 324, MedGen C0002986, MONDO:0010526, OMIM 301500, HP:0001071. Disease mechanism: Fabry disease is due to inactivating mutations in the X-linked GLA gene resulting in deficiency of the enzyme Alpha Galactosidase-A., loss of function.

Submission:

Genomenon, Inc
Classification: Pathogenic for Fabry disease. Last evaluated: 2026-09-08. Review status: criteria provided, single submitter. Criteria: Genomenon Sequence Variant Interpretation Standards - Updated. Collection method: curation. Allele origin: germline. Affected: yes.
Comment: GLA p.Trp236Cys (c.708G>C) is a missense variant that changes the amino acid at codon 236 from Tryptophan to Cysteine. This variant has been observed in at least one proband with clinical features consistent with Fabry disease (PMID:24020479;32583479;36383556;12920095;33915609;30594474;8875188;27431810). The variant was found to segregate with disease in at least one affected family (PMID:27431810;36383556;12920095). At least one functional study has demonstrated a substantial alteration in protein function relative to the wild-type (PMID:23935525). This variant is located in a mutational hotspot and/or important functional domain. It is absent or not present at a significant frequency in gnomAD. In silico models predict that this variant is possibly or probably damaging. In conclusion, we classify GLA p.Trp236Cys (c.708G>C) as a pathogenic variant.

Literature cited by the submitters: PubMed 24020479; PubMed 32583479; PubMed 36383556; PubMed 12920095; PubMed 33915609; PubMed 30594474; PubMed 8875188; PubMed 27431810; PubMed 23935525.

NM_000169.3(GLA):c.708G>C (p.Trp236Cys)

Genes: GLA (galactosidase alpha; minus strand), RPL36A-HNRNPH2 (RPL36A-HNRNPH2 readthrough; plus strand). Cytogenetic location: Xq22.1.
Variant type: single nucleotide variant.
Coding change: c.708G>C on transcript NM_000169.3 (MANE Select); coding-DNA position 708, G replaced by C.
Protein change: p.Trp236Cys; replaces tryptophan 236 with cysteine.
Molecular consequence: missense variant. On other transcripts: non-coding transcript variant (3), intron variant (2).
Genome position (GRCh38, 1-based): chrX:101,398,878, C>G on the plus strand (G>C on the coding strand, the complement: GLA is on the minus strand). VCF-style: chrX-101398878-C-G. GRCh37 (hg19) VCF-style: chrX-100653866-C-G.
Other names: c.831G>C, p.Trp277Cys (NM_001406747.1); c.708G>C, p.Trp236Cys (NM_001406748.1); c.300+3421C>G (NM_001199973.2); c.177+7056C>G (NM_001199974.2); short protein forms W236C, W277C.
Identifiers: ClinVar variation 4087475 (VCV004087475.2), dbSNP rs869312386.